The following is an entry in ClinVar:

ClinVar aggregate classification (germline): Benign. Review status: criteria provided, multiple submitters, no conflicts (2 of 4 stars). 6 submissions from 6 submitters: Benign (6). Last evaluated 2026-02-04.

Conditions:
Combined immunodeficiency due to LRBA deficiency. Also called: Common variable immunodeficiency 8, with autoimmunity. Identifiers: Orphanet 445018, MedGen C3553512, MONDO:0013863, OMIM 614700.

Allele frequency attached by ClinVar (database versions not stated): 1000 Genomes Project 30x 0.17692; TOPMed 0.10755; gnomAD 0.10667 and 0.11094; 1000 Genomes Project 0.17592; gnomAD exomes 0.06857 and 0.10924; ESP Exome Variant Server 0.09857; ExAC 0.11205.
gnomAD v4.1: 117,723 of 1,612,554 alleles (7.3%); highest among the groups gnomAD compares: South Asian, 25%; 7,598 homozygotes.

Submissions (6):

Labcorp Genetics (formerly Invitae), Labcorp
Classification: Benign for Combined immunodeficiency due to LRBA deficiency. Last evaluated: 2026-02-04. Review status: criteria provided, single submitter. Criteria: Invitae Variant Classification Sherloc (09022015). Collection method: clinical testing. Allele origin: germline.

Women's Health and Genetics/Laboratory Corporation of America, LabCorp
Classification: Benign. Last evaluated: 2026-01-21. Review status: criteria provided, single submitter. Criteria: LabCorp Variant Classification Summary - May 2015. Collection method: clinical testing. Allele origin: germline.

Unidad de Genómica Garrahan, Hospital de Pediatría Garrahan
Classification: Benign. Last evaluated: 2023-11-12. Review status: criteria provided, single submitter. Criteria: ACMG Guidelines, 2015. Collection method: clinical testing. Allele origin: germline. Affected: no. Observed: 25 variant alleles.
Comment: This variant is classified as Benign based on local population frequency. This variant was detected in 26% of patients studied by a panel of primary immunodeficiencies. Number of patients: 25. Only high quality variants are reported.

GeneDx
Classification: Benign. Last evaluated: 2021-06-09. Review status: criteria provided, single submitter. Criteria: GeneDx Variant Classification Process June 2021. Collection method: clinical testing. Allele origin: germline. Affected: yes.

Mayo Clinic Laboratories, Mayo Clinic
Classification: Benign. Last evaluated: 2016-09-30. Review status: criteria provided, single submitter. Criteria: ACMG Guidelines, 2015. Collection method: clinical testing. Allele origin: germline. Observed: 180 variant alleles.

Breakthrough Genomics
Classification: Benign. Review status: criteria provided, single submitter. Criteria: ACMG Guidelines, 2015. Collection method: not provided. Allele origin: germline. Inheritance: Autosomal recessive inheritance. Affected: yes.

NM_001364905.1(LRBA):c.1347A>G (p.Ala449=)

Gene: LRBA (LPS responsive beige-like anchor protein; minus strand). Cytogenetic location: 4q31.3.
Variant type: single nucleotide variant.
Coding change: c.1347A>G on transcript NM_001364905.1 (MANE Select); coding-DNA position 1347, A replaced by G.
Protein change: p.Ala449=; no amino-acid change (alanine 449 retained).
Molecular consequence: synonymous variant.
Genome position (GRCh38, 1-based): chr4:150,908,672, T>C on the plus strand (A>G on the coding strand, the complement: LRBA is on the minus strand). VCF-style: chr4-150908672-T-C. GRCh37 (hg19) VCF-style: chr4-151829824-T-C.
Other names: p.Ala449=; c.1347A>G, p.Ala449= (NM_001199282.3, NM_001367550.1, NM_006726.5).
Identifiers: ClinVar variation 1166827 (VCV001166827.16), dbSNP rs1201208, ClinGen allele CA3103614.
Genomic context (GRCh38, chr4:150,908,672, plus strand): 5'-CATCAAAAATTACCATTATAAATGTTCTTAAAAGATCACAGTTAGTACCTGGAGCATGAG[T>C]GCATGTGGTGAATGAACAAAAATTGAAGGGTTGTCCTTAGGAGATGATTCAAGACAAAGC-3'
Protein context (NP_001351834.1, residues 439-459): NPSIFVHSPH[Ala449=]LMLQDVKAVL